The following is an entry in ClinVar:

ClinVar aggregate classification (germline): Uncertain significance (1 of 4 stars; one submission).

Allele frequency attached by ClinVar (database versions not stated): gnomAD exomes below 0.00001; ExAC 0.00001; gnomAD 0.00003; TOPMed 0.00003; 1000 Genomes Project 30x 0.00016; 1000 Genomes Project 0.00020.
gnomAD v4.1: 6 of 1,428,740 alleles (0.00042%); highest among the groups gnomAD compares: African/African-American, 0.0072%; no homozygotes.

Submission:

Labcorp Genetics (formerly Invitae), Labcorp
Classification: Uncertain significance. Last evaluated: 2025-06-24. Review status: criteria provided, single submitter. Criteria: Invitae Variant Classification Sherloc (09022015). Collection method: clinical testing. Allele origin: germline.
Comment: This sequence change falls in intron 55 of the COL11A1 gene. It does not directly change the encoded amino acid sequence of the COL11A1 protein. It affects a nucleotide within the consensus splice site. The frequency data for this variant in the population databases is considered unreliable, as metrics indicate poor data quality at this position in the gnomAD database. This variant has not been reported in the literature in individuals affected with COL11A1-related conditions. ClinVar contains an entry for this variant (Variation ID: 1472763). Variants that disrupt the consensus splice site are a relatively common cause of aberrant splicing (PMID: 17576681, 9536098). Algorithms developed to predict the effect of sequence changes on RNA splicing suggest that this variant is not likely to affect RNA splicing. In summary, the available evidence is currently insufficient to determine the role of this variant in disease. Therefore, it has been classified as a Variant of Uncertain Significance.

Literature cited by the submitters: PubMed 17576681; PubMed 9536098.

NM_001854.4(COL11A1):c.4140+6A>G

Gene: COL11A1 (collagen type XI alpha 1 chain; minus strand). Cytogenetic location: 1p21.1.
Variant type: single nucleotide variant.
Coding change: c.4140+6A>G on transcript NM_001854.4 (MANE Select); 6 bases into the intron after coding-DNA position 4140, A replaced by G.
Molecular consequence: intron variant.
Genome position (GRCh38, 1-based): chr1:102,898,935, T>C on the plus strand (A>G on the coding strand, the complement: COL11A1 is on the minus strand). VCF-style: chr1-102898935-T-C. GRCh37 (hg19) VCF-style: chr1-103364491-T-C.
Other names: c.4023+6A>G (NM_001190709.2); c.4176+6A>G (NM_080629.3); c.3792+6A>G (NM_080630.4).
Identifiers: ClinVar variation 1472763 (VCV001472763.6), dbSNP rs191656980, ClinGen allele CA973668.
Genomic context (GRCh38, chr1:102,898,935, plus strand): 5'-TTCAAATATAATACCTTGTATATATAATATATAATATATATTATGTATATATTATTTTTT[T>C]TTTACCTTAGCACCTTTTTCACCTTGTCTTCCCTCTGCACCTGCAGCTCCAGGAGGACCC-3'